The following is an entry in ClinVar:

NM_000264.5(PTCH1):c.3233T>C (p.Leu1078Pro)

Gene: PTCH1 (patched 1; minus strand). Cytogenetic location: 9q22.32.
Variant type: single nucleotide variant.
Coding change: c.3233T>C on transcript NM_000264.5 (MANE Select); coding-DNA position 3233, T replaced by C.
Protein change: p.Leu1078Pro; replaces leucine 1078 with proline.
Molecular consequence: missense variant. On other transcripts: non-coding transcript variant (1).
Genome position (GRCh38, 1-based): chr9:95,456,349, A>G on the plus strand (T>C on the coding strand, the complement: PTCH1 is on the minus strand). VCF-style: chr9-95456349-A-G. GRCh37 (hg19) VCF-style: chr9-98218631-A-G.
Other names: c.3035T>C, p.Leu1012Pro (NM_001083602.3); c.3230T>C, p.Leu1077Pro (NM_001083603.3); c.2780T>C, p.Leu927Pro (NM_001083604.3, NM_001083605.3, NM_001083606.3 and 1 more transcripts); c.3077T>C, p.Leu1026Pro (NM_001354918.2); short protein forms L1012P, L1078P, L1026P, L927P, L1077P.
Identifiers: ClinVar variation 453845 (VCV000453845.9), dbSNP rs1554691033, ClinGen allele CA374112097.

ClinVar aggregate classification (germline): Uncertain significance (1 of 4 stars; one submission).

Conditions:
Gorlin syndrome. Also called: Basal cell nevus syndrome; Nevoid Basal Cell Carcinoma Syndrome. Identifiers: Orphanet 377, MedGen C0004779, MONDO:0007187.

Submission:

Labcorp Genetics (formerly Invitae), Labcorp
Classification: Uncertain significance for Gorlin syndrome. Last evaluated: 2017-06-30. Review status: criteria provided, single submitter. Criteria: Invitae Variant Classification Sherloc (09022015). Collection method: clinical testing. Allele origin: germline.
Comment: In summary, the available evidence is currently insufficient to determine the role of this variant in disease. Therefore, it has been classified as a Variant of Uncertain Significance. Algorithms developed to predict the effect of missense changes on protein structure and function do not agree on the potential impact of this missense change (SIFT: "Deleterious"; PolyPhen-2: "Probably Damaging"; Align-GVGD: "Class C0"). This variant has not been reported in the literature in individuals with PTCH1-related disease. This variant is not present in population databases (ExAC no frequency). This sequence change replaces leucine with proline at codon 1078 of the PTCH1 protein (p.Leu1078Pro). The leucine residue is highly conserved and there is a moderate physicochemical difference between leucine and proline.